The following is an entry in ClinVar:

NM_012418.4(FSCN2):c.1106-3C>T

Gene: FSCN2 (fascin actin-bundling protein 2, retinal; plus strand). Cytogenetic location: 17q25.3.
Variant type: single nucleotide variant.
Coding change: c.1106-3C>T on transcript NM_012418.4 (MANE Select); 3 bases into the intron before coding-DNA position 1106, C replaced by T.
Molecular consequence: intron variant. On other transcripts: missense variant (1).
Genome position (GRCh38, 1-based): chr17:81,536,619, C>T. VCF-style: chr17-81536619-C-T. GRCh37 (hg19) VCF-style: chr17-79503645-C-T.
Other names: c.1175C>T, p.Pro392Leu (NM_001077182.3); short protein forms P392L.
Identifiers: ClinVar variation 2786928 (VCV002786928.3), dbSNP rs2544454171, ClinGen allele CA401477606.

ClinVar aggregate classification (germline): Uncertain significance (1 of 4 stars; one submission).

Allele frequency attached by ClinVar (database versions not stated): gnomAD exomes below 0.00001.
gnomAD v4.1: 2 of 1,608,674 alleles (0.00012%); highest among the groups gnomAD compares: Non-Finnish European, 0.000085%; no homozygotes.

Submission:

Labcorp Genetics (formerly Invitae), Labcorp
Classification: Uncertain significance. Last evaluated: 2023-08-10. Review status: criteria provided, single submitter. Criteria: Invitae Variant Classification Sherloc (09022015). Collection method: clinical testing. Allele origin: germline.
Comment: In summary, the available evidence is currently insufficient to determine the role of this variant in disease. Therefore, it has been classified as a Variant of Uncertain Significance. Algorithms developed to predict the effect of missense changes on protein structure and function output the following: SIFT: "Not Available"; PolyPhen-2: "Benign"; Align-GVGD: "Not Available". The leucine amino acid residue is found in multiple mammalian species, which suggests that this missense change does not adversely affect protein function. This variant has not been reported in the literature in individuals affected with FSCN2-related conditions. This variant is not present in population databases (gnomAD no frequency). This sequence change replaces proline, which is neutral and non-polar, with leucine, which is neutral and non-polar, at codon 392 of the FSCN2 protein (p.Pro392Leu).